The following is an entry in ClinVar:

NM_000303.3(PMM2):c.*18C>T

Gene: PMM2 (phosphomannomutase 2; plus strand). Cytogenetic location: 16p13.2.
Variant type: single nucleotide variant.
Coding change: c.*18C>T on transcript NM_000303.3 (MANE Select); 18 bases downstream of the stop codon, C replaced by T.
Molecular consequence: 3 prime UTR variant.
Genome position (GRCh38, 1-based): chr16:8,847,843, C>T. VCF-style: chr16-8847843-C-T. GRCh37 (hg19) VCF-style: chr16-8941700-C-T.
Identifiers: ClinVar variation 389416 (VCV000389416.1), dbSNP rs200464135, ClinGen allele CA7894229.

ClinVar aggregate classification (germline): Likely benign (1 of 4 stars; one submission).

Allele frequency attached by ClinVar (database versions not stated): TOPMed 0.00002; gnomAD 0.00004 and 0.00005; 1000 Genomes Project 30x 0.00016; 1000 Genomes Project 0.00020.
gnomAD v4.1: 55 of 1,584,340 alleles (0.0035%); highest among the groups gnomAD compares: South Asian, 0.017%; no homozygotes.

Submission:

GeneDx
Classification: Likely benign. Last evaluated: 2016-10-05. Review status: criteria provided, single submitter. Criteria: GeneDx Variant Classification (06012015). Collection method: clinical testing. Allele origin: germline. Affected: yes.
Comment: This variant is considered likely benign or benign based on one or more of the following criteria: it is a conservative change, it occurs at a poorly conserved position in the protein, it is predicted to be benign by multiple in silico algorithms, and/or has population frequency not consistent with disease.